The following is an entry in ClinVar:

ClinVar aggregate classification (germline): Uncertain significance (1 of 4 stars; one submission).

Conditions:
Developmental and epileptic encephalopathy, 30 (DEE30). Also called: Epileptic encephalopathy, early infantile, 30. Identifiers: MedGen C4225360, MONDO:0014595, OMIM 616341.

Allele frequency attached by ClinVar (database versions not stated): ExAC 0.00001; ESP Exome Variant Server 0.00008.

Submission:

Labcorp Genetics (formerly Invitae), Labcorp
Classification: Uncertain significance for Developmental and epileptic encephalopathy, 30. Last evaluated: 2024-03-20. Review status: criteria provided, single submitter. Criteria: Invitae Variant Classification Sherloc (09022015). Collection method: clinical testing. Allele origin: germline.
Comment: This sequence change replaces valine, which is neutral and non-polar, with isoleucine, which is neutral and non-polar, at codon 216 of the SIK1 protein (p.Val216Ile). This variant is present in population databases (rs142728625, gnomAD 0.0009%). This variant has not been reported in the literature in individuals affected with SIK1-related conditions. ClinVar contains an entry for this variant (Variation ID: 1004305). Advanced modeling of protein sequence and biophysical properties (such as structural, functional, and spatial information, amino acid conservation, physicochemical variation, residue mobility, and thermodynamic stability) performed at Invitae indicates that this missense variant is not expected to disrupt SIK1 protein function with a negative predictive value of 95%. In summary, the available evidence is currently insufficient to determine the role of this variant in disease. Therefore, it has been classified as a Variant of Uncertain Significance.

NM_173354.5(SIK1):c.646G>A (p.Val216Ile)

Gene: SIK1 (salt inducible kinase 1; minus strand). Cytogenetic location: 21q22.3.
Variant type: single nucleotide variant.
Coding change: c.646G>A on transcript NM_173354.5 (MANE Select); coding-DNA position 646, G replaced by A.
Protein change: p.Val216Ile; replaces valine 216 with isoleucine.
Molecular consequence: missense variant.
Genome position (GRCh38, 1-based): chr21:43,421,112, C>T on the plus strand (G>A on the coding strand, the complement: SIK1 is on the minus strand). VCF-style: chr21-43421112-C-T. GRCh37 (hg19) VCF-style: chr21-44840992-C-T.
Other names: short protein forms V216I.
Identifiers: ClinVar variation 1004305 (VCV001004305.7), dbSNP rs142728625, ClinGen allele CA321327456.
Genomic context (GRCh38, chr21:43,421,112, plus strand): 5'-CCCGCTGTCTCAGCGTCGGCAGGTTAGGCCCATCGAAGGGGAGAGAACCGCAGACCAGGA[C>T]GTACAGCACCACGCCCAGGCTCTGTTGAGGACCACAGAGCCACATCAGCGCCAGGGCGGT-3'
Protein context (NP_775490.2, residues 206-226): DIWSLGVVLY[Val216Ile]LVCGSLPFDG